The following is an entry in ClinVar:

NM_002439.5(MSH3):c.2807del (p.Phe936fs)

Gene: MSH3 (mutS homolog 3; plus strand). Cytogenetic location: 5q14.1.
Variant type: Deletion.
Coding change: c.2807del on transcript NM_002439.5 (MANE Select); coding-DNA position 2807, one base deleted (T; older notation c.2807delT).
Protein change: p.Phe936fs; shifts the reading frame from phenylalanine 936.
Molecular consequence: frameshift variant.
Genome position (GRCh38, 1-based): chr5:80,813,735, T deleted; the last of 4 consecutive T bases (chr5:80,813,732-80,813,735); deleting any one gives the same sequence. VCF-style (leftmost placement, unchanged base first): chr5-80813731-AT-A. GRCh37 (hg19) VCF-style: chr5-80109550-AT-A.
Other names: c.2807delT (NM_002439.3); short protein forms F936fs.
Identifiers: ClinVar variation 665540 (VCV000665540.10), dbSNP rs1580066605, ClinGen allele CA915943369.
Genomic context (GRCh38, chr5:80,813,731, plus strand): 5'-ATGGCTCAGATTGGCTCCTATGTTCCTGCAGAAGAAGCGACAATTGGGATTGTGGATGGC[AT>A]TTTCACAAGGTAAGTACGTTAATTCAGCTTGCATATATTCTTGAAAATAAGTCAAGCCCA-3'

ClinVar aggregate classification (germline): Pathogenic. Review status: criteria provided, multiple submitters, no conflicts (2 of 4 stars). 3 submissions from 3 submitters: Pathogenic (3). Last evaluated 2025-10-07.

Conditions:
Familial adenomatous polyposis 4 (FAP4). Also called: MSH3-related attenuated familial adenomatous polyposis. Identifiers: Orphanet 480536, MedGen C4310719, MONDO:0044300, OMIM 617100.
Hereditary cancer-predisposing syndrome. Also called: Tumor predisposition; Hereditary neoplastic syndrome; Neoplastic Syndromes, Hereditary; Hereditary Cancer Syndrome. Identifiers: Orphanet 140162, MedGen C0027672, MeSH D009386, MONDO:0015356.

Submissions (3):

Labcorp Genetics (formerly Invitae), Labcorp
Classification: Pathogenic. Last evaluated: 2025-10-07. Review status: criteria provided, single submitter. Criteria: Invitae Variant Classification Sherloc (09022015). Collection method: clinical testing. Allele origin: germline.
Comment: This sequence change creates a premature translational stop signal (p.Phe936Serfs*21) in the MSH3 gene. It is expected to result in an absent or disrupted protein product. Loss-of-function variants in MSH3 are known to be pathogenic (PMID: 27476653, 37402566). This variant is not present in population databases (gnomAD no frequency). This variant has not been reported in the literature in individuals affected with MSH3-related conditions. ClinVar contains an entry for this variant (Variation ID: 665540). For these reasons, this variant has been classified as Pathogenic.

Ambry Genetics
Classification: Pathogenic for Hereditary cancer-predisposing syndrome. Last evaluated: 2025-08-20. Review status: criteria provided, single submitter. Criteria: Ambry Variant Classification Scheme 2023. Collection method: clinical testing. Allele origin: germline.
Comment: The c.2807delT pathogenic mutation, located in coding exon 20 of the MSH3 gene, results from a deletion of one nucleotide at nucleotide position 2807, causing a translational frameshift with a predicted alternate stop codon (p.F936Sfs*21). This variant is considered to be rare based on population cohorts in the Genome Aggregation Database (gnomAD). This alteration is expected to result in loss of function by premature protein truncation or nonsense-mediated mRNA decay. As such, this alteration is interpreted as a disease-causing mutation.

Myriad Genetics, Inc.
Classification: Pathogenic for Familial adenomatous polyposis 4. Last evaluated: 2023-08-31. Review status: criteria provided, single submitter. Criteria: Myriad Autosomal Dominant, Autosomal Recessive and X-Linked Classification Criteria (2023). Collection method: clinical testing. Allele origin: unknown.
Comment: This variant is considered pathogenic. This variant creates a frameshift predicted to result in premature protein truncation.

Literature cited by the submitters: PubMed 27476653 (cited by Labcorp Genetics (formerly Invitae), Labcorp); PubMed 37402566 (cited by Labcorp Genetics (formerly Invitae), Labcorp).